The following is an entry in ClinVar:

NM_000088.4(COL1A1):c.329T>C (p.Val110Ala)

Gene: COL1A1 (collagen type I alpha 1 chain; minus strand). Cytogenetic location: 17q21.33.
Variant type: single nucleotide variant.
Coding change: c.329T>C on transcript NM_000088.4 (MANE Select); coding-DNA position 329, T replaced by C.
Protein change: p.Val110Ala; replaces valine 110 with alanine.
Molecular consequence: missense variant.
Genome position (GRCh38, 1-based): chr17:50,199,560, A>G on the plus strand (T>C on the coding strand, the complement: COL1A1 is on the minus strand). VCF-style: chr17-50199560-A-G. GRCh37 (hg19) VCF-style: chr17-48276921-A-G.
Other names: short protein forms V110A.
Identifiers: ClinVar variation 3678926 (VCV003678926.2).

ClinVar aggregate classification (germline): Uncertain significance (1 of 4 stars; one submission).

Conditions:
Osteogenesis imperfecta type I (OI1). Also called: OI, TYPE I; OSTEOGENESIS IMPERFECTA TARDA; OSTEOGENESIS IMPERFECTA WITH BLUE SCLERAE; Osteogenesis imperfecta type 1; Lobstein's Disease; Lobstein disease. Identifiers: Orphanet 216796, Orphanet 666, MedGen C0023931, MONDO:0008146, OMIM 166200. Disease mechanism: loss of function.

Submission:

Labcorp Genetics (formerly Invitae), Labcorp
Classification: Uncertain significance for Osteogenesis imperfecta type I. Last evaluated: 2024-05-12. Review status: criteria provided, single submitter. Criteria: Invitae Variant Classification Sherloc (09022015). Collection method: clinical testing. Allele origin: germline.
Comment: This sequence change replaces valine, which is neutral and non-polar, with alanine, which is neutral and non-polar, at codon 110 of the COL1A1 protein (p.Val110Ala). This variant is not present in population databases (gnomAD no frequency). This variant has not been reported in the literature in individuals affected with COL1A1-related conditions. Advanced modeling of protein sequence and biophysical properties (such as structural, functional, and spatial information, amino acid conservation, physicochemical variation, residue mobility, and thermodynamic stability) performed at Invitae indicates that this missense variant is not expected to disrupt COL1A1 protein function with a negative predictive value of 95%. In summary, the available evidence is currently insufficient to determine the role of this variant in disease. Therefore, it has been classified as a Variant of Uncertain Significance.